The following is an entry in ClinVar:

ClinVar aggregate classification (germline): Uncertain significance (1 of 4 stars; one submission).

Conditions:
Inborn genetic diseases. Identifiers: MedGen C0950123, MeSH D030342.

Allele frequency attached by ClinVar (database versions not stated): gnomAD exomes below 0.00001; TOPMed 0.00001.
gnomAD v4.1: 1 of 1,547,852 alleles (0.000065%); highest among the groups gnomAD compares: East Asian, 0.0023%; no homozygotes.

Submission:

Ambry Genetics
Classification: Uncertain significance for Inborn genetic diseases. Last evaluated: 2019-10-07. Review status: criteria provided, single submitter. Criteria: Ambry Variant Classification Scheme 2023. Collection method: clinical testing. Allele origin: germline.
Comment: The p.F43L variant (also known as c.127T>C), located in coding exon 1 of the NRXN1 gene, results from a T to C substitution at nucleotide position 127. The phenylalanine at codon 43 is replaced by leucine, an amino acid with highly similar properties. This amino acid position is highly conserved in available vertebrate species. In addition, this alteration is predicted to be deleterious by in silico analysis. Since supporting evidence is limited at this time, the clinical significance of this alteration remains unclear.

NM_001330078.2(NRXN1):c.127T>C (p.Phe43Leu)

Gene: NRXN1 (neurexin 1; minus strand). Cytogenetic location: 2p16.3.
Variant type: single nucleotide variant.
Coding change: c.127T>C on transcript NM_001330078.2 (MANE Select); coding-DNA position 127, T replaced by C.
Protein change: p.Phe43Leu; replaces phenylalanine 43 with leucine.
Molecular consequence: missense variant.
Genome position (GRCh38, 1-based): chr2:51,028,147, A>G on the plus strand (T>C on the coding strand, the complement: NRXN1 is on the minus strand). VCF-style: chr2-51028147-A-G. GRCh37 (hg19) VCF-style: chr2-51255285-A-G.
Other names: c.127T>C, p.Phe43Leu (NM_001135659.3, NM_001330077.2, NM_001330079.2 and 15 more transcripts); short protein forms F43L.
Identifiers: ClinVar variation 1767680 (VCV001767680.2), dbSNP rs1216338017, ClinGen allele CA346824656.
Genomic context (GRCh38, chr2:51,028,147, plus strand): 5'-CGCTGCGAGTCTTGAGCTGGAAGCTCATCTCGCTCTCGCAGCAGGCGTTCCACTTGGGGA[A>G]GCGCGTCCATTGGCCCTCGGCGCCCGGAAACTCCAGCCCGCTGCCCAGCTCCGCCCAGCA-3'
Protein context (NP_001317007.1, residues 33-53): FPGAEGQWTR[Phe43Leu]PKWNACCESE